The following is an entry in ClinVar:

NM_020297.4(ABCC9):c.595C>A (p.Pro199Thr)

Gene: ABCC9 (ATP binding cassette subfamily C member 9; minus strand). Cytogenetic location: 12p12.1.
Variant type: single nucleotide variant.
Coding change: c.595C>A on transcript NM_020297.4 (MANE Select); coding-DNA position 595, C replaced by A.
Protein change: p.Pro199Thr; replaces proline 199 with threonine.
Molecular consequence: missense variant. On other transcripts: intron variant (1).
Genome position (GRCh38, 1-based): chr12:21,915,889, G>T on the plus strand (C>A on the coding strand, the complement: ABCC9 is on the minus strand). VCF-style: chr12-21915889-G-T. GRCh37 (hg19) VCF-style: chr12-22068823-G-T.
Other names: c.595C>A, p.Pro199Thr (NM_001377273.1, NM_005691.4); c.-48-2823C>A (NM_001377274.1); short protein forms P199T.
Identifiers: ClinVar variation 1411736 (VCV001411736.10), dbSNP rs1246348470, ClinGen allele CA384124903.

ClinVar aggregate classification (germline): Uncertain significance. Review status: criteria provided, multiple submitters, no conflicts (2 of 4 stars). 2 submissions from 2 submitters: Uncertain significance (2). Last evaluated 2024-02-23.

Conditions:
Cardiovascular phenotype. Identifiers: MedGen CN230736.
Dilated cardiomyopathy 1O (CMD1O). Also called: CARDIOMYOPATHY, DILATED, WITH VENTRICULAR TACHYCARDIA. Identifiers: Orphanet 154, MedGen C1837839, MONDO:0012062, OMIM 608569.

Allele frequency attached by ClinVar (database versions not stated): gnomAD exomes below 0.00001; gnomAD 0.00001.
gnomAD v4.1: 3 of 1,612,598 alleles (0.00019%); highest among the groups gnomAD compares: Non-Finnish European, 0.00025%; no homozygotes.

Submissions (2):

Labcorp Genetics (formerly Invitae), Labcorp
Classification: Uncertain significance for Dilated cardiomyopathy 1O. Last evaluated: 2024-02-23. Review status: criteria provided, single submitter. Criteria: Invitae Variant Classification Sherloc (09022015). Collection method: clinical testing. Allele origin: germline.
Comment: This sequence change replaces proline, which is neutral and non-polar, with threonine, which is neutral and polar, at codon 199 of the ABCC9 protein (p.Pro199Thr). This variant is present in population databases (no rsID available, gnomAD 0.0009%). This variant has not been reported in the literature in individuals affected with ABCC9-related conditions. ClinVar contains an entry for this variant (Variation ID: 1411736). Advanced modeling of protein sequence and biophysical properties (such as structural, functional, and spatial information, amino acid conservation, physicochemical variation, residue mobility, and thermodynamic stability) performed at Invitae indicates that this missense variant is expected to disrupt ABCC9 protein function with a positive predictive value of 95%. In summary, the available evidence is currently insufficient to determine the role of this variant in disease. Therefore, it has been classified as a Variant of Uncertain Significance.

Ambry Genetics
Classification: Uncertain significance for Cardiovascular phenotype. Last evaluated: 2022-07-15. Review status: criteria provided, single submitter. Criteria: Ambry Variant Classification Scheme 2023. Collection method: clinical testing. Allele origin: germline.
Comment: The p.P199T variant (also known as c.595C>A), located in coding exon 5 of the ABCC9 gene, results from a C to A substitution at nucleotide position 595. The proline at codon 199 is replaced by threonine, an amino acid with highly similar properties. This amino acid position is highly conserved in available vertebrate species. In addition, this alteration is predicted to be deleterious by in silico analysis. Since supporting evidence is limited at this time, the clinical significance of this alteration remains unclear.